The following is an entry in ClinVar:

NM_001351132.2(PEX5):c.1718+13A>G

Gene: PEX5 (peroxisomal biogenesis factor 5; plus strand). Cytogenetic location: 12p13.31.
Variant type: single nucleotide variant.
Coding change: c.1718+13A>G on transcript NM_001351132.2 (MANE Select); 13 bases into the intron after coding-DNA position 1718, A replaced by G.
Molecular consequence: intron variant.
Genome position (GRCh38, 1-based): chr12:7,209,853, A>G. VCF-style: chr12-7209853-A-G. GRCh37 (hg19) VCF-style: chr12-7362449-A-G.
Other names: p.?; c.1607+13A>G (NM_001351124.3, NM_001351126.2, NM_001374646.1 and 7 more transcripts); c.1718+13A>G (NM_001131026.2, NM_001351131.2, NM_001374647.2 and 4 more transcripts); c.1583+13A>G (NM_001374649.2, NM_001351140.2, NM_001351139.2); c.1652+13A>G (NM_001351135.3, NM_001351138.2); c.1763+13A>G (NM_001131023.2, NM_001131023.1); c.1709+13A>G (NM_001351136.2); c.1694+13A>G (NM_000319.5).
Identifiers: ClinVar variation 257547 (VCV000257547.19), dbSNP rs116873137, ClinGen allele CA6426559.

ClinVar aggregate classification (germline): Benign/Likely benign. Review status: criteria provided, multiple submitters, no conflicts (2 of 4 stars). 6 submissions from 6 submitters: Benign (2); Likely benign (4). Last evaluated 2026-02-04.

Conditions:
Peroxisome biogenesis disorder 2A (Zellweger) (PBD2A). Also called: Cerebrohepatorenal syndrome, variant types. Identifiers: Orphanet 912, MedGen C3550273, MONDO:0008954, OMIM 214110.
Peroxisome biogenesis disorder 2B (PBD2B). Identifiers: Orphanet 44, MedGen C3550234, MONDO:0008736, OMIM 202370.

Allele frequency attached by ClinVar (database versions not stated): 1000 Genomes Project 0.00739; 1000 Genomes Project 30x 0.00796; ExAC 0.00992; gnomAD exomes 0.01043 and 0.01685; gnomAD 0.01079 and 0.01093; TOPMed 0.01131; ESP Exome Variant Server 0.01392.
gnomAD v4.1: 26,139 of 1,614,016 alleles (1.6%); highest among the groups gnomAD compares: Non-Finnish European, 2%; 281 homozygotes.

Submissions (6):

Labcorp Genetics (formerly Invitae), Labcorp
Classification: Benign for Peroxisome biogenesis disorder 2B. Last evaluated: 2026-02-04. Review status: criteria provided, single submitter. Criteria: Invitae Variant Classification Sherloc (09022015). Collection method: clinical testing. Allele origin: germline.

Mayo Clinic Laboratories, Mayo Clinic
Classification: Benign. Last evaluated: 2019-03-28. Review status: criteria provided, single submitter. Criteria: ACMG Guidelines, 2015. Collection method: clinical testing. Allele origin: germline. Observed: 17 variant alleles.

GeneDx
Classification: Likely benign. Last evaluated: 2018-08-07. Review status: criteria provided, single submitter. Criteria: GeneDx Variant Classification Process June 2021. Collection method: clinical testing. Allele origin: germline. Affected: yes.

Illumina Laboratory Services, Illumina
Classification: Likely benign for Peroxisome biogenesis disorder 2A (Zellweger). Last evaluated: 2018-01-13. Review status: criteria provided, single submitter. Criteria: ICSL Variant Classification Criteria 13 December 2019. Collection method: clinical testing. Allele origin: germline.
Comment: This variant was observed in the ICSL laboratory as part of a predisposition screen in an ostensibly healthy population. It had not been previously curated by ICSL or reported in the Human Gene Mutation Database (HGMD: prior to June 1st, 2018), and was therefore a candidate for classification through an automated scoring system. Utilizing variant allele frequency, disease prevalence and penetrance estimates, and inheritance mode, an automated score was calculated to assess if this variant is too frequent to cause the disease. Based on the score and internal cut-off values, a variant classified as likely benign is not then subjected to further curation. The score for this variant resulted in a classification of likely benign for this disease.

Breakthrough Genomics
Classification: Likely benign. Review status: criteria provided, single submitter. Criteria: ACMG Guidelines, 2015. Collection method: not provided. Allele origin: germline. Inheritance: Autosomal recessive inheritance. Affected: yes.

PreventionGenetics, part of Exact Sciences
Classification: Likely benign. Review status: criteria provided, single submitter. Criteria: ACMG Guidelines, 2015. Collection method: clinical testing. Allele origin: germline.